The following is an entry in ClinVar:

NM_000179.3(MSH6):c.3647-2A>G

Gene: MSH6 (mutS homolog 6; plus strand). Cytogenetic location: 2p16.3.
Variant type: single nucleotide variant.
Coding change: c.3647-2A>G on transcript NM_000179.3 (MANE Select); the canonical splice acceptor site of the intron before coding-DNA position 3647, A replaced by G.
Molecular consequence: splice acceptor variant.
Genome position (GRCh38, 1-based): chr2:47,806,202, A>G. VCF-style: chr2-47806202-A-G. GRCh37 (hg19) VCF-style: chr2-48033341-A-G.
Other names: c.3647-2A>G (NM_001406809.1, NM_001406796.1, NM_001406808.1 and 1 more transcripts); c.2741-2A>G (NM_001406811.1, NM_001406814.1, NM_001281493.2 and 6 more transcripts); c.3350-2A>G (NM_001406805.1, NM_001406797.1, NM_001406801.1 and 10 more transcripts); c.3743-2A>G (NM_001406795.1, NM_001406802.1); c.3653-2A>G (NM_001406813.1); c.3122-2A>G (NM_001406807.1, NM_001406799.1, NM_001406806.1); c.3473-2A>G (NM_001406798.1); c.2783-2A>G (NM_001406803.1); and 7 more.
Identifiers: ClinVar variation 3358951 (VCV003358951.3).

ClinVar aggregate classification (germline): Likely pathogenic (1 of 4 stars; one submission).

Conditions:
Lynch syndrome 5 (LYNCH5). Also called: Hereditary non-polyposis colorectal cancer, type 5; Colorectal cancer, hereditary nonpolyposis, type 5. Identifiers: Orphanet 144, MedGen C1833477, MONDO:0013710, OMIM 614350. Disease mechanism: loss of function.

Submission:

Institute of Human Genetics, University of Leipzig Medical Center
Classification: Likely pathogenic for Lynch syndrome 5. Last evaluated: 2025-03-04. Review status: criteria provided, single submitter. Criteria: ACMG Guidelines, 2015. Collection method: clinical testing. Allele origin: maternal. Inheritance: Autosomal dominant inheritance. Affected: yes.
Comment: Criteria applied: PVS1,PM2_SUP